The following is an entry in ClinVar:

NM_001355436.2(SPTB):c.3603A>G (p.Glu1201=)

Gene: SPTB (spectrin beta, erythrocytic; minus strand). Cytogenetic location: 14q23.3.
Variant type: single nucleotide variant.
Coding change: c.3603A>G on transcript NM_001355436.2 (MANE Select); coding-DNA position 3603, A replaced by G.
Protein change: p.Glu1201=; no amino-acid change (glutamic acid 1201 retained).
Molecular consequence: synonymous variant.
Genome position (GRCh38, 1-based): chr14:64,785,910, T>C on the plus strand (A>G on the coding strand, the complement: SPTB is on the minus strand). VCF-style: chr14-64785910-T-C. GRCh37 (hg19) VCF-style: chr14-65252628-T-C.
Other names: c.3603A>G, p.Glu1201= (NM_001355437.2, NM_001024858.4).
Identifiers: ClinVar variation 2644322 (VCV002644322.24), dbSNP rs778654270, ClinGen allele CA7230569.

ClinVar aggregate classification (germline): Likely benign (1 of 4 stars; one submission).

Allele frequency attached by ClinVar (database versions not stated): gnomAD 0.00001; gnomAD exomes 0.00001; TOPMed 0.00001; ExAC 0.00002.
gnomAD v4.1: 17 of 1,613,980 alleles (0.0011%); highest among the groups gnomAD compares: South Asian, 0.015%; no homozygotes.

Submission:

CeGaT Center for Human Genetics Tuebingen
Classification: Likely benign. Last evaluated: 2022-07-01. Review status: criteria provided, single submitter. Criteria: CeGaT Center For Human Genetics Tuebingen Variant Classification Criteria Version 2. Collection method: clinical testing. Allele origin: germline. Affected: yes. Observed: 1 variant allele.
Comment: SPTB: BP4, BP7